The following is an entry in ClinVar:

NM_005228.5(EGFR):c.1733A>G (p.Asn578Ser)

Gene: EGFR (epidermal growth factor receptor; plus strand). Cytogenetic location: 7p11.2.
Variant type: single nucleotide variant.
Coding change: c.1733A>G on transcript NM_005228.5 (MANE Select); coding-DNA position 1733, A replaced by G.
Protein change: p.Asn578Ser; replaces asparagine 578 with serine.
Molecular consequence: missense variant.
Genome position (GRCh38, 1-based): chr7:55,165,290, A>G. VCF-style: chr7-55165290-A-G. GRCh37 (hg19) VCF-style: chr7-55232983-A-G.
Other names: c.1598A>G, p.Asn533Ser (NM_001346897.2, NM_001346899.2); c.1733A>G, p.Asn578Ser (NM_001346898.2, NM_201282.2, NM_201284.2); c.1574A>G, p.Asn525Ser (NM_001346900.2); c.932A>G, p.Asn311Ser (NM_001346941.2); short protein forms N525S, N533S, N311S, N578S.
Identifiers: ClinVar variation 2101186 (VCV002101186.4), dbSNP rs556794990, ClinGen allele CA4265681.

ClinVar aggregate classification (germline): Uncertain significance (1 of 4 stars; one submission).

Conditions:
EGFR-related lung cancer (EGFR). Identifiers: MedGen CN130014.

Allele frequency attached by ClinVar (database versions not stated): gnomAD exomes below 0.00001; ExAC 0.00001; gnomAD 0.00001; 1000 Genomes Project 0.00020; 1000 Genomes Project 30x 0.00031.
gnomAD v4.1: 2 of 1,614,118 alleles (0.00012%); highest among the groups gnomAD compares: African/African-American, 0.0013%; no homozygotes.

Submission:

Labcorp Genetics (formerly Invitae), Labcorp
Classification: Uncertain significance for EGFR-related lung cancer. Last evaluated: 2022-02-21. Review status: criteria provided, single submitter. Criteria: Invitae Variant Classification Sherloc (09022015). Collection method: clinical testing. Allele origin: germline.
Comment: This sequence change replaces asparagine, which is neutral and polar, with serine, which is neutral and polar, at codon 578 of the EGFR protein (p.Asn578Ser). This variant is present in population databases (rs556794990, gnomAD 0.007%). This variant has not been reported in the literature in individuals affected with EGFR-related conditions. Algorithms developed to predict the effect of missense changes on protein structure and function output the following: SIFT: "Tolerated"; PolyPhen-2: "Benign"; Align-GVGD: "Class C0". The serine amino acid residue is found in multiple mammalian species, which suggests that this missense change does not adversely affect protein function. In summary, the available evidence is currently insufficient to determine the role of this variant in disease. Therefore, it has been classified as a Variant of Uncertain Significance.